The following is an entry in ClinVar:

ClinVar aggregate classification (germline): Likely benign (1 of 4 stars; one submission).

Allele frequency attached by ClinVar (database versions not stated): gnomAD 0.00001; ExAC 0.00016.
gnomAD v4.1: 52 of 1,573,390 alleles (0.0033%); highest among the groups gnomAD compares: East Asian, 0.043%; no homozygotes.

Submission:

CeGaT Center for Human Genetics Tuebingen
Classification: Likely benign. Last evaluated: 2022-11-01. Review status: criteria provided, single submitter. Criteria: CeGaT Center For Human Genetics Tuebingen Variant Classification Criteria Version 2. Collection method: clinical testing. Allele origin: germline. Affected: yes. Observed: 1 variant allele.
Comment: SPTBN5: BP4, BP7

NM_016642.4(SPTBN5):c.10842C>A (p.Thr3614=)

Gene: SPTBN5 (spectrin beta, non-erythrocytic 5; minus strand). Cytogenetic location: 15q15.1.
Variant type: single nucleotide variant.
Coding change: c.10842C>A on transcript NM_016642.4 (MANE Select); coding-DNA position 10842, C replaced by A.
Protein change: p.Thr3614=; no amino-acid change (threonine 3614 retained).
Molecular consequence: synonymous variant.
Genome position (GRCh38, 1-based): chr15:41,850,933, G>T on the plus strand (C>A on the coding strand, the complement: SPTBN5 is on the minus strand). VCF-style: chr15-41850933-G-T. GRCh37 (hg19) VCF-style: chr15-42143131-G-T.
Identifiers: ClinVar variation 2645201 (VCV002645201.24), dbSNP rs749657881, ClinGen allele CA7500718.